The following is an entry in ClinVar:

NM_015395.3(TECPR1):c.3458C>T (p.Pro1153Leu)

Gene: TECPR1 (tectonin beta-propeller repeat containing 1; minus strand). Cytogenetic location: 7q21.3.
Variant type: single nucleotide variant.
Coding change: c.3458C>T on transcript NM_015395.3 (MANE Select); coding-DNA position 3458, C replaced by T.
Protein change: p.Pro1153Leu; replaces proline 1153 with leucine.
Molecular consequence: missense variant.
Genome position (GRCh38, 1-based): chr7:98,217,430, G>A on the plus strand (C>T on the coding strand, the complement: TECPR1 is on the minus strand). VCF-style: chr7-98217430-G-A. GRCh37 (hg19) VCF-style: chr7-97846742-G-A.
Other names: short protein forms P1153L.
Identifiers: ClinVar variation 2657695 (VCV002657695.24), dbSNP rs200095183, ClinGen allele CA4356314.

ClinVar aggregate classification (germline): Likely benign (1 of 4 stars; one submission).

Allele frequency attached by ClinVar (database versions not stated): ESP Exome Variant Server 0.00033; ExAC 0.00056; gnomAD exomes 0.00065; TOPMed 0.00083; gnomAD 0.00090.

Submission:

CeGaT Center for Human Genetics Tuebingen
Classification: Likely benign. Last evaluated: 2023-01-01. Review status: criteria provided, single submitter. Criteria: CeGaT Center For Human Genetics Tuebingen Variant Classification Criteria Version 2. Collection method: clinical testing. Allele origin: germline. Affected: yes. Observed: 1 variant allele.
Comment: TECPR1: BP4